The following is an entry in ClinVar:

NM_004629.2(FANCG):c.803A>G (p.Tyr268Cys)

Gene: FANCG (FA complementation group G; minus strand). Cytogenetic location: 9p13.3.
Variant type: single nucleotide variant.
Coding change: c.803A>G on transcript NM_004629.2 (MANE Select); coding-DNA position 803, A replaced by G.
Protein change: p.Tyr268Cys; replaces tyrosine 268 with cysteine.
Molecular consequence: missense variant.
Genome position (GRCh38, 1-based): chr9:35,076,845, T>C on the plus strand (A>G on the coding strand, the complement: FANCG is on the minus strand). VCF-style: chr9-35076845-T-C. GRCh37 (hg19) VCF-style: chr9-35076842-T-C.
Other names: short protein forms Y268C.
Identifiers: ClinVar variation 4844147 (VCV004844147.1).

ClinVar aggregate classification (germline): Uncertain significance (1 of 4 stars; one submission).

Conditions:
Inborn genetic diseases. Identifiers: MedGen C0950123, MeSH D030342.

Submission:

Ambry Genetics
Classification: Uncertain significance for Inborn genetic diseases. Last evaluated: 2026-01-20. Review status: criteria provided, single submitter. Criteria: Ambry Variant Classification Scheme 2023. Collection method: clinical testing. Allele origin: germline.
Comment: The p.Y268C variant (also known as c.803A>G), located in coding exon 7 of the FANCG gene, results from an A to G substitution at nucleotide position 803. The tyrosine at codon 268 is replaced by cysteine, an amino acid with highly dissimilar properties. This amino acid position is conserved. In addition, this alteration is predicted to be tolerated by in silico analysis. Based on the available evidence, the clinical significance of this variant remains unclear.